The following is an entry in ClinVar:

NM_005188.4(CBL):c.*329A>G

Gene: CBL (Cbl proto-oncogene; plus strand). Cytogenetic location: 11q23.3.
Variant type: single nucleotide variant.
Coding change: c.*329A>G on transcript NM_005188.4 (MANE Select); 329 bases downstream of the stop codon, A replaced by G.
Molecular consequence: 3 prime UTR variant.
Genome position (GRCh38, 1-based): chr11:119,300,110, A>G. VCF-style: chr11-119300110-A-G. GRCh37 (hg19) VCF-style: chr11-119170820-A-G.
Identifiers: ClinVar variation 878425 (VCV000878425.4), dbSNP rs145498486, ClinGen allele CA229653214.

ClinVar aggregate classification (germline): Benign (1 of 4 stars; one submission).

Conditions:
CBL-related disorder. Also called: CBL MUTATION-ASSOCIATED SYNDROME; CBL SYNDROME; NOONAN SYNDROME-LIKE DISORDER WITHOUT JUVENILE MYELOMONOCYTIC LEUKEMIA. Identifiers: Orphanet 363972, MedGen C3150803, MONDO:0013308, OMIM 613563.

Allele frequency attached by ClinVar (database versions not stated): gnomAD 0.00009 and 0.00017; TOPMed 0.00012; gnomAD exomes 0.00057; 1000 Genomes Project 30x 0.00094; 1000 Genomes Project 0.00120.
gnomAD v4.1: 243 of 549,282 alleles (0.044%); highest among the groups gnomAD compares: East Asian, 0.73%; 2 homozygotes.

Submission:

Illumina Laboratory Services, Illumina
Classification: Benign for CBL-related disorder. Last evaluated: 2018-01-12. Review status: criteria provided, single submitter. Criteria: ICSL Variant Classification Criteria 13 December 2019. Collection method: clinical testing. Allele origin: germline.
Comment: This variant was observed in the ICSL laboratory as part of a predisposition screen in an ostensibly healthy population. It had not been previously curated by ICSL or reported in the Human Gene Mutation Database (HGMD: prior to June 1st, 2018), and was therefore a candidate for classification through an automated scoring system. Utilizing variant allele frequency, disease prevalence and penetrance estimates, and inheritance mode, an automated score was calculated to assess if this variant is too frequent to cause the disease. Based on the score and internal cut-off values, a variant classified as benign is not then subjected to further curation. The score for this variant resulted in a classification of benign for this disease.